The following is an entry in ClinVar:

ClinVar aggregate classification (germline): Uncertain significance (1 of 4 stars; one submission).

gnomAD v4.1: 2 of 1,613,316 alleles (0.00012%); highest among the groups gnomAD compares: Non-Finnish European, 0.00017%; no homozygotes.

Submission:

Labcorp Genetics (formerly Invitae), Labcorp
Classification: Uncertain significance. Last evaluated: 2025-10-10. Review status: criteria provided, single submitter. Criteria: Invitae Variant Classification Sherloc (09022015). Collection method: clinical testing. Allele origin: germline.
Comment: This sequence change replaces lysine, which is basic and polar, with arginine, which is basic and polar, at codon 281 of the PCYT1A protein (p.Lys281Arg). This variant is not present in population databases (gnomAD no frequency). This variant has not been reported in the literature in individuals affected with PCYT1A-related conditions. Invitae Evidence Modeling of protein sequence and biophysical properties (such as structural, functional, and spatial information, amino acid conservation, physicochemical variation, residue mobility, and thermodynamic stability) indicates that this missense variant is not expected to disrupt PCYT1A protein function with a negative predictive value of 80%. In summary, the available evidence is currently insufficient to determine the role of this variant in disease. Therefore, it has been classified as a Variant of Uncertain Significance.

NM_001312673.2(PCYT1A):c.842A>G (p.Lys281Arg)

Gene: PCYT1A (phosphate cytidylyltransferase 1A, choline; minus strand). Cytogenetic location: 3q29.
Variant type: single nucleotide variant.
Coding change: c.842A>G on transcript NM_001312673.2 (MANE Select); coding-DNA position 842, A replaced by G.
Protein change: p.Lys281Arg; replaces lysine 281 with arginine.
Molecular consequence: missense variant.
Genome position (GRCh38, 1-based): chr3:196,239,602, T>C on the plus strand (A>G on the coding strand, the complement: PCYT1A is on the minus strand). VCF-style: chr3-196239602-T-C. GRCh37 (hg19) VCF-style: chr3-195966473-T-C.
Other names: c.842A>G, p.Lys281Arg (NM_005017.4); short protein forms K281R.
Identifiers: ClinVar variation 4805027 (VCV004805027.1).